The following is an entry in ClinVar:

NM_018136.5(ASPM):c.5802G>A (p.Trp1934Ter)

Gene: ASPM (assembly factor for spindle microtubules; minus strand). Cytogenetic location: 1q31.3.
Variant type: single nucleotide variant.
Coding change: c.5802G>A on transcript NM_018136.5 (MANE Select); coding-DNA position 5802, G replaced by A.
Protein change: p.Trp1934Ter; replaces tryptophan 1934 with a stop codon.
Molecular consequence: nonsense. On other transcripts: intron variant (1).
Genome position (GRCh38, 1-based): chr1:197,103,449, C>T on the plus strand (G>A on the coding strand, the complement: ASPM is on the minus strand). VCF-style: chr1-197103449-C-T. GRCh37 (hg19) VCF-style: chr1-197072579-C-T.
Other names: c.4066-7285G>A (NM_001206846.2); short protein forms W1934*.
Identifiers: ClinVar variation 3764702 (VCV003764702.2).

ClinVar aggregate classification (germline): Pathogenic (1 of 4 stars; one submission).

Conditions:
Microcephaly 5, primary, autosomal recessive (MCPH5). Also called: ASPM Primary Microcephaly. Identifiers: Orphanet 2512, MedGen C1837501, MONDO:0012106, OMIM 608716.

Submission:

Juno Genomics, Hangzhou Juno Genomics, Inc
Classification: Pathogenic for Microcephaly 5, primary, autosomal recessive. Review status: criteria provided, single submitter. Criteria: ACMG Guidelines, 2015. Collection method: clinical testing. Allele origin: germline. Affected: yes.
Comment: Absent from controls (or at extremely low frequency if recessive) in Genome Aggregation Database, Exome Sequencing Project, 1000 Genomes Project, or Exome Aggregation Consortium.;Null variant in a gene where loss of function (LOF) is a known mechanism of disease.;For recessive disorders, detected in trans with a pathogenic variant.;Patient's phenotype or family history is highly specific for a disease with a single genetic etiology.